The following is an entry in ClinVar:

ClinVar aggregate classification (germline): Uncertain significance (1 of 4 stars; one submission).

Conditions:
Pitt-Hopkins-like syndrome 2 (PTHSL2). Identifiers: Orphanet 221150, Orphanet 600663, MedGen C3280479, MONDO:0013690, OMIM 614325.

Submission:

Labcorp Genetics (formerly Invitae), Labcorp
Classification: Uncertain significance for Pitt-Hopkins-like syndrome 2. Last evaluated: 2023-08-10. Review status: criteria provided, single submitter. Criteria: Invitae Variant Classification Sherloc (09022015). Collection method: clinical testing. Allele origin: germline.
Comment: This sequence change replaces glycine, which is neutral and non-polar, with aspartic acid, which is acidic and polar, at codon 1262 of the NRXN1 protein (p.Gly1262Asp). In summary, the available evidence is currently insufficient to determine the role of this variant in disease. Therefore, it has been classified as a Variant of Uncertain Significance. Advanced modeling of protein sequence and biophysical properties (such as structural, functional, and spatial information, amino acid conservation, physicochemical variation, residue mobility, and thermodynamic stability) performed at Invitae indicates that this missense variant is not expected to disrupt NRXN1 protein function. This variant has not been reported in the literature in individuals affected with NRXN1-related conditions. This variant is not present in population databases (gnomAD no frequency).

NM_001330078.2(NRXN1):c.3665G>A (p.Gly1222Asp)

Gene: NRXN1 (neurexin 1; minus strand). Cytogenetic location: 2p16.3.
Variant type: single nucleotide variant.
Coding change: c.3665G>A on transcript NM_001330078.2 (MANE Select); coding-DNA position 3665, G replaced by A.
Protein change: p.Gly1222Asp; replaces glycine 1222 with aspartic acid.
Molecular consequence: missense variant.
Genome position (GRCh38, 1-based): chr2:50,091,376, C>T on the plus strand (G>A on the coding strand, the complement: NRXN1 is on the minus strand). VCF-style: chr2-50091376-C-T. GRCh37 (hg19) VCF-style: chr2-50318514-C-T.
Other names: c.3785G>A, p.Gly1262Asp (NM_001135659.3); c.3641G>A, p.Gly1214Asp (NM_001330077.2, NM_001330082.2); c.3599G>A, p.Gly1200Asp (NM_001330083.2, NM_001330084.2); c.3638G>A, p.Gly1213Asp (NM_001330085.2); c.3665G>A, p.Gly1222Asp (NM_001330086.2, NM_004801.6); c.3554G>A, p.Gly1185Asp (NM_001330087.2, NM_001330096.2); c.3584G>A, p.Gly1195Asp (NM_001330088.2); c.560G>A, p.Gly187Asp (NM_001330091.2, NM_001330092.2, NM_001330097.2 and 1 more transcripts); and 3 more; short protein forms G1214D, G187D, G1185D, G1222D, G1195D, G1200D, G1221D, G1205D.
Identifiers: ClinVar variation 2813848 (VCV002813848.3), dbSNP rs2468068486, ClinGen allele CA346819054.